The following is an entry in ClinVar:

NC_012920.1(MT-ND1):m.3509T>C

Gene: MT-ND1 (mitochondrially encoded NADH dehydrogenase 1; plus strand).
Variant type: single nucleotide variant.
Genome position: chrM-3509-T-C.
Identifiers: ClinVar variation 692363 (VCV000692363.1), dbSNP rs1603218992, ClinGen allele CA414772933.

ClinVar aggregate classification (germline): Uncertain significance (1 of 4 stars; one submission).

Conditions:
Leigh syndrome (NULS). Also called: Leigh's necrotizing encephalopathy; Leigh's disease; Leigh Syndrome (mtDNA deletion); Leigh Disease; Subacute necrotizing encephalopathy; Necrotizing encephalopathy infantile subacute of Leigh. Identifiers: Orphanet 506, MedGen C2931891, MONDO:0009723, OMIM 256000.

Submission:

Wong Mito Lab, Molecular and Human Genetics, Baylor College of Medicine
Classification: Uncertain significance for Leigh syndrome. Last evaluated: 2019-10-17. Review status: criteria provided, single submitter. Criteria: Modified ACMG Guidelines (Unpublished). Collection method: clinical testing. Allele origin: germline.
Comment: The NC_012920.1:m.3509T>C (YP_003024026.1:p.Ile68Thr) variant in MTND1 gene is interpretated to be a Uncertain Significance variant based on the modified ACMG guidelines (unpublished). This variant meets the following evidence codes: PP6, BP4

Literature cited by the submitters: PubMed 12406974.